The following is an entry in ClinVar:

ClinVar aggregate classification (germline): Pathogenic (1 of 4 stars; one submission).

Submission:

Labcorp Genetics (formerly Invitae), Labcorp
Classification: Pathogenic. Last evaluated: 2024-01-21. Review status: criteria provided, single submitter. Criteria: Invitae Variant Classification Sherloc (09022015). Collection method: clinical testing. Allele origin: unknown.
Comment: A gross deletion of the genomic region encompassing the full coding sequence of the TYRP1 gene has been identified. Loss-of-function variants in TYRP1 are known to be pathogenic (PMID: 8651291, 9345097). The boundaries of this event are unknown as they extend beyond the assayed region for this gene and therefore may encompass additional genes. A similar copy number variant has been observed in individual(s) with oculocutaneous albinism (PMID: 30868578). For these reasons, this variant has been classified as Pathogenic.

Literature cited by the submitters: PubMed 8651291; PubMed 9345097; PubMed 30868578.

NC_000009.11:g.(?_12693997)_(12709182_?)del

Gene: TYRP1 (tyrosinase related protein 1; plus strand). Cytogenetic location: 9p23.
Variant type: Deletion.
Identifiers: ClinVar variation 3245285 (VCV003245285.1).